The following is an entry in ClinVar:

ClinVar aggregate classification (germline): Uncertain significance (0 of 4 stars; one submission).

Conditions:
EP300-related disorder. Also called: EP300-related disorders; EP300-related condition.

Submission:

PreventionGenetics, part of Exact Sciences
Classification: Uncertain significance for EP300-related condition. Last evaluated: 2024-07-01. Review status: no assertion criteria provided. Collection method: clinical testing. Allele origin: germline.
Comment: The EP300 c.2759C>T variant is predicted to result in the amino acid substitution p.Thr920Ile. To our knowledge, this variant has not been reported in the literature or in a large population database, indicating this variant is rare. At this time, the clinical significance of this variant is uncertain due to the absence of conclusive functional and genetic evidence.

NM_001429.4(EP300):c.2759C>T (p.Thr920Ile)

Gene: EP300 (E1A binding protein p300; plus strand). Cytogenetic location: 22q13.2.
Variant type: single nucleotide variant.
Coding change: c.2759C>T on transcript NM_001429.4 (MANE Select); coding-DNA position 2759, C replaced by T.
Protein change: p.Thr920Ile; replaces threonine 920 with isoleucine.
Molecular consequence: missense variant.
Genome position (GRCh38, 1-based): chr22:41,150,140, C>T. VCF-style: chr22-41150140-C-T. GRCh37 (hg19) VCF-style: chr22-41546144-C-T.
Other names: c.2681C>T, p.Thr894Ile (NM_001362843.2); short protein forms T894I, T920I.
Identifiers: ClinVar variation 3351512 (VCV003351512.1).
Genomic context (GRCh38, chr22:41,150,140, plus strand): 5'-CACTTCCTGCTGCACCTTCTGCTGACCAGCCCCAGCAGCAGCCTCGCTCACAGCAGAGCA[C>T]AGCAGCGTCTGTTCCTACCCCAACAGCACCGCTGCTTCCTCCGCAGCCTGCAACTCCAGT-3'
Protein context (NP_001420.2, residues 910-930): PQQQPRSQQS[Thr920Ile]AASVPTPTAP